The following is an entry in ClinVar:

NM_012463.4(ATP6V0A2):c.1872G>A (p.Leu624=)

Genes: ATP6V0A2 (ATPase H+ transporting V0 subunit a2; plus strand), LOC126861666 (CDK7 strongly-dependent group 2 enhancer GRCh37_chr12:124232793-124233992; plus strand). Cytogenetic location: 12q24.31.
Variant type: single nucleotide variant.
Coding change: c.1872G>A on transcript NM_012463.4 (MANE Select); coding-DNA position 1872, G replaced by A.
Protein change: p.Leu624=; no amino-acid change (leucine 624 retained).
Molecular consequence: synonymous variant.
Genome position (GRCh38, 1-based): chr12:123,748,722, G>A. VCF-style: chr12-123748722-G-A. GRCh37 (hg19) VCF-style: chr12-124233269-G-A.
Identifiers: ClinVar variation 307593 (VCV000307593.19), dbSNP rs73420342, ClinGen allele CA6862053.
Genomic context (GRCh38, chr12:123,748,722, plus strand): 5'-GATTTTCTACAAGTGGCTGGTTTTTTCAGCAGAAACCTCCAGAGTTGCTCCCAGCATTCT[G>A]ATTGAATTTATTAACATGTTTTTATTCCCAGCCAGTAAAACAAGTGGCCTTTACACAGGG-3'
Protein context (NP_036595.2, residues 614-634): AETSRVAPSI[Leu624=]IEFINMFLFP

ClinVar aggregate classification (germline): Benign/Likely benign. Review status: criteria provided, multiple submitters, no conflicts (2 of 4 stars). 4 submissions from 4 submitters: Benign (3); Likely benign (1). Last evaluated 2026-01-26.

Conditions:
ALG9 congenital disorder of glycosylation (CDG1L). Also called: CDG Il; CONGENITAL DISORDER OF GLYCOSYLATION, TYPE Il; ALG9-CDG. Identifiers: Orphanet 79328, MedGen C2931006, MONDO:0012117, OMIM 608776.
Cutis laxa with osteodystrophy (ARCL2A). Also called: Autosomal recessive cutis laxa type 2A; Debré-Type Cutis Laxa; CUTIS LAXA WITH CONGENITAL DISORDER OF GLYCOSYLATION; CUTIS LAXA, AUTOSOMAL RECESSIVE, TYPE IIA; CUTIS LAXA WITH BONE DYSTROPHY; CUTIS LAXA WITH GROWTH AND DEVELOPMENTAL DELAY. Identifiers: Orphanet 357058, MedGen C0268355, MONDO:0018163, OMIM 219200. Disease mechanism: loss of function.

Allele frequency attached by ClinVar (database versions not stated): gnomAD exomes 0.00063 and 0.00185; ExAC 0.00215; TOPMed 0.00626; gnomAD 0.00672; ESP Exome Variant Server 0.00684; 1000 Genomes Project 0.01018; 1000 Genomes Project 30x 0.01031.
gnomAD v4.1: 1,922 of 1,614,156 alleles (0.12%); highest among the groups gnomAD compares: African/African-American, 2.1%; 22 homozygotes.

Submissions (4):

Labcorp Genetics (formerly Invitae), Labcorp
Classification: Benign for ALG9 congenital disorder of glycosylation. Last evaluated: 2026-01-26. Review status: criteria provided, single submitter. Criteria: Invitae Variant Classification Sherloc (09022015). Collection method: clinical testing. Allele origin: germline.

Blueprint Genetics
Classification: Likely benign. Last evaluated: 2024-11-12. Review status: criteria provided, single submitter. Criteria: ACMG Guidelines, 2015. Collection method: clinical testing. Allele origin: germline.

Illumina Laboratory Services, Illumina
Classification: Benign for Cutis laxa with osteodystrophy. Last evaluated: 2018-01-13. Review status: criteria provided, single submitter. Criteria: ICSL Variant Classification Criteria 13 December 2019. Collection method: clinical testing. Allele origin: germline.
Comment: This variant was observed in the ICSL laboratory as part of a predisposition screen in an ostensibly healthy population. It had not been previously curated by ICSL or reported in the Human Gene Mutation Database (HGMD: prior to June 1st, 2018), and was therefore a candidate for classification through an automated scoring system. Utilizing variant allele frequency, disease prevalence and penetrance estimates, and inheritance mode, an automated score was calculated to assess if this variant is too frequent to cause the disease. Based on the score and internal cut-off values, a variant classified as benign is not then subjected to further curation. The score for this variant resulted in a classification of benign for this disease.

GeneDx
Classification: Benign. Last evaluated: 2016-04-05. Review status: criteria provided, single submitter. Criteria: GeneDx Variant Classification (06012015). Collection method: clinical testing. Allele origin: germline. Affected: yes.
Comment: This variant is considered likely benign or benign based on one or more of the following criteria: it is a conservative change, it occurs at a poorly conserved position in the protein, it is predicted to be benign by multiple in silico algorithms, and/or has population frequency not consistent with disease.